The following is an entry in ClinVar:

NM_182961.4(SYNE1):c.226-2dup

Gene: SYNE1 (spectrin repeat containing nuclear envelope protein 1; minus strand). Cytogenetic location: 6q25.2.
Variant type: Duplication.
Coding change: c.226-2dup on transcript NM_182961.4 (MANE Select); the canonical splice acceptor site of the intron before coding-DNA position 226, one base duplicated (A; older notation c.226-2dupA).
Molecular consequence: splice acceptor variant.
Genome position (GRCh38, 1-based): chr6:152,520,544, T duplicated on the plus strand (A on the coding strand, the reverse complement: SYNE1 is on the minus strand). VCF-style (leftmost placement, unchanged base first): chr6-152520543-C-CT. GRCh37 (hg19) VCF-style: chr6-152841678-C-CT.
Other names: c.226-2dupA (NM_033071.3); c.226-2dup (NM_033071.5).
Identifiers: ClinVar variation 279936 (VCV000279936.25), dbSNP rs774388631, ClinGen allele CA4059825.

ClinVar aggregate classification (germline): Conflicting classifications of pathogenicity. Review status: criteria provided, conflicting classifications (1 of 4 stars). 8 submissions from 8 submitters: Likely pathogenic (1); Uncertain significance (6). 1 of the submissions does not count toward it. Last evaluated 2026-08-06.

Conditions:
Arthrogryposis multiplex congenita 3, myogenic type. Also called: ARTHROGRYPOSIS MULTIPLEX CONGENITA, MYOGENIC TYPE. Identifiers: MedGen C5193121, MONDO:0032778, OMIM 618484.
Autosomal recessive ataxia, Beauce type. Also called: SYNE1 Deficiency; SYNE1-Related Autosomal Recessive Cerebellar Ataxia; ATAXIA, RECESSIVE, OF BEAUCE; Spinocerebellar ataxia, autosomal recessive 8. Identifiers: Orphanet 88644, MedGen C1853116, MONDO:0012549, OMIM 610743.
Emery-Dreifuss muscular dystrophy 4, autosomal dominant (EDMD4). Also called: EMERY-DREIFUSS MUSCULAR DYSTROPHY 4 WITH VARIABLE FEATURES. Identifiers: Orphanet 261, MedGen C2751807, MONDO:0013071, OMIM 612998.

Allele frequency attached by ClinVar (database versions not stated): ESP Exome Variant Server 0.00008; TOPMed 0.00010 and 0.00012; gnomAD 0.00011; ExAC 0.00012; gnomAD exomes 0.00013 and 0.00017.

Submissions (8):

GeneDx
Classification: Likely pathogenic. Last evaluated: 2026-08-06. Review status: criteria provided, single submitter. Criteria: GeneDx Variant Classification Process June 2021. Collection method: clinical testing. Allele origin: germline.
Comment: Canonical splice site variant predicted to result in a null allele in a gene for which loss of function is a known mechanism of disease; Reported in a patient with adult-onset ataxia and progressive myoclonus epilepsy in the published literature who also had a variant in another gene that may have been responsible for the phenotype (PMID: 25401298); This variant is associated with the following publications: (PMID: 25401298)

Mayo Clinic Laboratories, Mayo Clinic
Classification: Uncertain significance. Last evaluated: 2025-12-18. Review status: criteria provided, single submitter. Criteria: ACMG Guidelines, 2015. Collection method: clinical testing. Allele origin: germline. Observed: 1 variant allele.
Comment: BP4

Blueprint Genetics
Classification: Uncertain significance. Last evaluated: 2024-10-25. Review status: criteria provided, single submitter. Criteria: ACMG Guidelines, 2015. Collection method: clinical testing. Allele origin: germline.

Labcorp Genetics (formerly Invitae), Labcorp
Classification: Uncertain significance for Emery-Dreifuss muscular dystrophy 4, autosomal dominant; Autosomal recessive ataxia, Beauce type. Last evaluated: 2024-10-18. Review status: criteria provided, single submitter. Criteria: Invitae Variant Classification Sherloc (09022015). Collection method: clinical testing. Allele origin: germline.
Comment: This sequence change falls in intron 4 of the SYNE1 gene. It does not directly change the encoded amino acid sequence of the SYNE1 protein. It affects a nucleotide within the consensus splice site. This variant is present in population databases (rs774388631, gnomAD 0.02%). This variant has not been reported in the literature in individuals affected with SYNE1-related conditions. ClinVar contains an entry for this variant (Variation ID: 279936). Variants that disrupt the consensus splice site are a relatively common cause of aberrant splicing (PMID: 17576681, 9536098). In summary, the available evidence is currently insufficient to determine the role of this variant in disease. Therefore, it has been classified as a Variant of Uncertain Significance.

Revvity Omics, Revvity
Classification: Uncertain significance. Last evaluated: 2022-12-12. Review status: criteria provided, single submitter. Criteria: ACMG Guidelines, 2015. Collection method: clinical testing. Allele origin: germline.

Athena Diagnostics
Classification: Uncertain significance. Last evaluated: 2021-07-29. Review status: criteria provided, single submitter. Criteria: Athena Diagnostics Criteria. Collection method: clinical testing. Allele origin: unknown.

Eurofins Ntd Llc (ga)
Classification: Uncertain significance. Last evaluated: 2016-07-14. Review status: criteria provided, single submitter. Criteria: EGL Classification Definitions. Collection method: clinical testing. Allele origin: germline. Observed: 1 variant allele, 1 heterozygote.

Service de Génétique Moléculaire, Hôpital Robert Debré
Classification: Likely pathogenic for Arthrogryposis multiplex congenita 3, myogenic type; Emery-Dreifuss muscular dystrophy 4, autosomal dominant; Autosomal recessive ataxia, Beauce type. Last evaluated: 2020-03-23. Review status: no assertion criteria provided. Collection method: clinical testing. Allele origin: inherited. Affected: yes. Not counted in ClinVar's aggregate classification.

Literature cited by the submitters: PubMed 25401298 (cited by Mayo Clinic Laboratories, Mayo Clinic); PubMed 17576681 (cited by Labcorp Genetics (formerly Invitae), Labcorp); PubMed 9536098 (cited by Labcorp Genetics (formerly Invitae), Labcorp).